The following is an entry in ClinVar:

NM_032634.4(PIGO):c.173C>T (p.Pro58Leu)

Gene: PIGO (phosphatidylinositol glycan anchor biosynthesis class O; minus strand). Cytogenetic location: 9p13.3.
Variant type: single nucleotide variant.
Coding change: c.173C>T on transcript NM_032634.4 (MANE Select); coding-DNA position 173, C replaced by T.
Protein change: p.Pro58Leu; replaces proline 58 with leucine.
Molecular consequence: missense variant.
Genome position (GRCh38, 1-based): chr9:35,095,393, G>A on the plus strand (C>T on the coding strand, the complement: PIGO is on the minus strand). VCF-style: chr9-35095393-G-A. GRCh37 (hg19) VCF-style: chr9-35095390-G-A.
Other names: c.173C>T, p.Pro58Leu (NM_001201484.2, NM_152850.4); short protein forms P58L.
Identifiers: ClinVar variation 1327397 (VCV001327397.2), dbSNP rs1340825608, ClinGen allele CA373324828.
Genomic context (GRCh38, chr9:35,095,393, plus strand): 5'-AGAGCATCTATCAGCACCAACACAACCCGCGAAAATCGGGAAGCCATCCAGCAGGCCCCA[G>A]GTTTCCCTTGGCTCCCCCATGGCAGGGACCCAGGGCCTGGGGGCTCTTGGCAGCTGCTAT-3'
Protein context (NP_116023.2, residues 48-68): GSLPWGSQGK[Pro58Leu]GACWMASRFS

ClinVar aggregate classification (germline): Uncertain significance (1 of 4 stars; one submission).

Allele frequency attached by ClinVar (database versions not stated): gnomAD exomes below 0.00001.

Submission:

GeneDx
Classification: Uncertain significance. Last evaluated: 2021-06-02. Review status: criteria provided, single submitter. Criteria: GeneDx Variant Classification Process June 2021. Collection method: clinical testing. Allele origin: germline. Affected: yes.
Comment: Not observed at significant frequency in large population cohorts (Lek et al., 2016); In silico analysis supports that this missense variant has a deleterious effect on protein structure/function; Has not been previously published as pathogenic or benign to our knowledge